The following is an entry in ClinVar:

ClinVar aggregate classification (germline): Uncertain significance (1 of 4 stars; one submission).

gnomAD v4.1: 218 of 1,540,478 alleles (0.014%); highest among the groups gnomAD compares: Admixed American, 0.035%; no homozygotes.

Submission:

Dasa
Classification: Uncertain significance. Last evaluated: 2025-08-19. Review status: criteria provided, single submitter. Criteria: DASA Assertion Criteria. Collection method: clinical testing. Allele origin: germline.
Comment: NM_001163809.2(WDR81):c.269T>C (p.Leu90Pro) is a missense variant that results in the substitution of leucine with proline. This variant is rare in population databases. Computational prediction algorithms are consistent with a benign effect. The currently available literature and clinical evidence are not sufficient to establish a definitive association between this variant and the reported condition. Therefore, this variant is classified as a variant of uncertain significance.

NM_001163809.2(WDR81):c.269T>C (p.Leu90Pro)

Gene: WDR81 (WD repeat domain 81; plus strand). Cytogenetic location: 17p13.3.
Variant type: single nucleotide variant.
Coding change: c.269T>C on transcript NM_001163809.2 (MANE Select); coding-DNA position 269, T replaced by C.
Protein change: p.Leu90Pro; replaces leucine 90 with proline.
Molecular consequence: missense variant. On other transcripts: intron variant (3).
Genome position (GRCh38, 1-based): chr17:1,725,228, T>C. VCF-style: chr17-1725228-T-C. GRCh37 (hg19) VCF-style: chr17-1628522-T-C.
Other names: c.-123-2762T>C (NM_152348.4); c.59-5152T>C (NM_001163673.2); c.-15+442T>C (NM_001163811.2); short protein forms L90P.
Identifiers: ClinVar variation 4886633 (VCV004886633.2).